The following is an entry in ClinVar:

ClinVar aggregate classification (germline): Uncertain significance (0 of 4 stars; one submission).

Conditions:
SYNE2-related disorder. Also called: SYNE2-related condition.

gnomAD v4.1: 1 of 1,614,152 alleles (0.000062%); highest among the groups gnomAD compares: Non-Finnish European, 0.000085%; no homozygotes.

Submission:

PreventionGenetics, part of Exact Sciences
Classification: Uncertain significance for SYNE2-related condition. Last evaluated: 2024-08-14. Review status: no assertion criteria provided. Collection method: clinical testing. Allele origin: germline.
Comment: The SYNE2 c.20147A>T variant is predicted to result in the amino acid substitution p.Lys6716Met. To our knowledge, this variant has not been reported in the literature or in a large population database, indicating this variant is rare. At this time, the clinical significance of this variant is uncertain due to the absence of conclusive functional and genetic evidence.

NM_182914.3(SYNE2):c.20147A>T (p.Lys6716Met)

Gene: SYNE2 (spectrin repeat containing nuclear envelope protein 2; plus strand). Cytogenetic location: 14q23.2.
Variant type: single nucleotide variant.
Coding change: c.20147A>T on transcript NM_182914.3 (MANE Select); coding-DNA position 20147, A replaced by T.
Protein change: p.Lys6716Met; replaces lysine 6716 with methionine.
Molecular consequence: missense variant.
Genome position (GRCh38, 1-based): chr14:64,221,661, A>T. VCF-style: chr14-64221661-A-T. GRCh37 (hg19) VCF-style: chr14-64688379-A-T.
Other names: c.20078A>T, p.Lys6693Met (NM_015180.6); c.713A>T, p.Lys238Met (NM_182910.2); c.1091A>T, p.Lys364Met (NM_182913.4); short protein forms K238M, K364M, K6693M, K6716M.
Identifiers: ClinVar variation 3345922 (VCV003345922.1).